The following is an entry in ClinVar:

NM_001164508.2(NEB):c.2881T>C (p.Trp961Arg)

Gene: NEB (nebulin; minus strand). Cytogenetic location: 2q23.3.
Variant type: single nucleotide variant.
Coding change: c.2881T>C on transcript NM_001164508.2 (MANE Select); coding-DNA position 2881, T replaced by C.
Protein change: p.Trp961Arg; replaces tryptophan 961 with arginine.
Molecular consequence: missense variant.
Genome position (GRCh38, 1-based): chr2:151,682,724, A>G on the plus strand (T>C on the coding strand, the complement: NEB is on the minus strand). VCF-style: chr2-151682724-A-G. GRCh37 (hg19) VCF-style: chr2-152539238-A-G.
Other names: c.2881T>C, p.Trp961Arg (NM_001164507.2, NM_001271208.2, NM_004543.5); short protein forms W961R.
Identifiers: ClinVar variation 3695476 (VCV003695476.2).
Genomic context (GRCh38, chr2:151,682,724, plus strand): 5'-CATTGAGGATGTCTGAAGCTCGCTTTGCCTTTTCCATTTCTAAGGACCCAAAAGGCACCC[A>G]GCCACAACCTTTCATCCAGCTATTGTAGTCAGCTTTGTATTCAACCTAAAACACCAAGAG-3'
Protein context (NP_001157980.2, residues 951-971): DYNSWMKGCG[Trp961Arg]VPFGSLEMEK

ClinVar aggregate classification (germline): Uncertain significance (1 of 4 stars; one submission).

Conditions:
Nemaline myopathy 2 (NEM2). Also called: Nemaline myopathy 2, autosomal recessive. Identifiers: MedGen C1850569, MONDO:0009725, OMIM 256030.

gnomAD v4.1: 4 of 1,613,430 alleles (0.00025%); highest among the groups gnomAD compares: South Asian, 0.0022%; no homozygotes.

Submission:

Labcorp Genetics (formerly Invitae), Labcorp
Classification: Uncertain significance for Nemaline myopathy 2. Last evaluated: 2024-09-06. Review status: criteria provided, single submitter. Criteria: Invitae Variant Classification Sherloc (09022015). Collection method: clinical testing. Allele origin: germline.
Comment: This sequence change replaces tryptophan, which is neutral and slightly polar, with arginine, which is basic and polar, at codon 961 of the NEB protein (p.Trp961Arg). This variant is present in population databases (no rsID available, gnomAD 0.003%). This variant has not been reported in the literature in individuals affected with NEB-related conditions. Experimental studies and prediction algorithms are not available or were not evaluated, and the functional significance of this variant is currently unknown. In summary, the available evidence is currently insufficient to determine the role of this variant in disease. Therefore, it has been classified as a Variant of Uncertain Significance.